The following is an entry in ClinVar:

ClinVar aggregate classification (germline): Likely benign. Review status: criteria provided, multiple submitters, no conflicts (2 of 4 stars). 5 submissions from 5 submitters: Likely benign (5). Last evaluated 2026-06-12.

Allele frequency attached by ClinVar (database versions not stated): TOPMed 0.00028; ExAC 0.00030; ESP Exome Variant Server 0.00031; gnomAD 0.00031 and 0.00032; gnomAD exomes 0.00032 and 0.00035.
gnomAD v4.1: 560 of 1,613,372 alleles (0.035%); highest among the groups gnomAD compares: Admixed American, 0.048%; 1 homozygote.

Submissions (5):

Women's Health and Genetics/Laboratory Corporation of America, LabCorp
Classification: Likely benign. Last evaluated: 2026-06-12. Review status: criteria provided, single submitter. Criteria: LabCorp Variant Classification Summary - May 2015. Collection method: clinical testing. Allele origin: germline.

Labcorp Genetics (formerly Invitae), Labcorp
Classification: Likely benign. Last evaluated: 2025-12-25. Review status: criteria provided, single submitter. Criteria: Invitae Variant Classification Sherloc (09022015). Collection method: clinical testing. Allele origin: germline.

CeGaT Center for Human Genetics Tuebingen
Classification: Likely benign. Last evaluated: 2025-09-01. Review status: criteria provided, single submitter. Criteria: CeGaT Center For Human Genetics Tuebingen Variant Classification Criteria Version 2. Collection method: clinical testing. Allele origin: germline. Affected: yes. Observed: 1 variant allele.
Comment: ADAMTS13: BP4

Blueprint Genetics
Classification: Likely benign. Last evaluated: 2024-10-29. Review status: criteria provided, single submitter. Criteria: ACMG Guidelines, 2015. Collection method: clinical testing. Allele origin: germline.

Genetic Services Laboratory, University of Chicago
Classification: Likely benign. Last evaluated: 2018-06-27. Review status: criteria provided, single submitter. Criteria: ACMG Guidelines, 2015. Collection method: clinical testing. Allele origin: germline. Affected: no.

NM_139027.6(ADAMTS13):c.3849C>T (p.Ile1283=)

Gene: ADAMTS13 (ADAM metallopeptidase with thrombospondin type 1 motif 13; plus strand). Cytogenetic location: 9q34.2.
Variant type: single nucleotide variant.
Coding change: c.3849C>T on transcript NM_139027.6 (MANE Select); coding-DNA position 3849, C replaced by T.
Protein change: p.Ile1283=; no amino-acid change (isoleucine 1283 retained).
Molecular consequence: synonymous variant.
Genome position (GRCh38, 1-based): chr9:133,458,034, C>T. VCF-style: chr9-133458034-C-T. GRCh37 (hg19) VCF-style: chr9-136323156-C-T.
Other names: c.4017C>T, p.Ile1339= (NM_139025.5); c.3756C>T, p.Ile1252= (NM_139026.6).
Identifiers: ClinVar variation 1336043 (VCV001336043.20), dbSNP rs377686931, ClinGen allele CA200946810.